The following is an entry in ClinVar:

NM_058216.3(RAD51C):c.193A>G (p.Arg65Gly)

Gene: RAD51C (RAD51 paralog C; plus strand). Cytogenetic location: 17q22.
Variant type: single nucleotide variant.
Coding change: c.193A>G on transcript NM_058216.3 (MANE Select); coding-DNA position 193, A replaced by G.
Protein change: p.Arg65Gly; replaces arginine 65 with glycine.
Molecular consequence: missense variant. On other transcripts: non-coding transcript variant (2).
Genome position (GRCh38, 1-based): chr17:58,694,978, A>G. VCF-style: chr17-58694978-A-G. GRCh37 (hg19) VCF-style: chr17-56772339-A-G.
Other names: c.193A>G, p.Arg65Gly (NM_002876.4); short protein forms R65G.
Identifiers: ClinVar variation 480514 (VCV000480514.12), dbSNP rs1227348505, ClinGen allele CA400339898.

ClinVar aggregate classification (germline): Conflicting classifications of pathogenicity. Review status: criteria provided, conflicting classifications (1 of 4 stars). 3 submissions from 3 submitters: Uncertain significance (2); Likely benign (1). Last evaluated 2025-10-09.

Conditions:
Hereditary cancer-predisposing syndrome. Also called: Hereditary neoplastic syndrome; Neoplastic Syndromes, Hereditary; Tumor predisposition; Hereditary Cancer Syndrome. Identifiers: Orphanet 140162, MedGen C0027672, MeSH D009386, MONDO:0015356.
Fanconi anemia complementation group O. Also called: RAD51C-Related Fanconi Anemia. Identifiers: Orphanet 84, MedGen C3150653, MONDO:0013248, OMIM 613390.

Allele frequency attached by ClinVar (database versions not stated): gnomAD exomes below 0.00001.
gnomAD v4.1: 3 of 1,614,172 alleles (0.00019%); highest among the groups gnomAD compares: Non-Finnish European, 0.00025%; no homozygotes.

Submissions (3):

Ambry Genetics
Classification: Likely benign for Hereditary cancer-predisposing syndrome. Last evaluated: 2025-10-09. Review status: criteria provided, single submitter. Criteria: Ambry Variant Classification Scheme 2023. Collection method: clinical testing. Allele origin: germline.

GeneDx
Classification: Uncertain significance. Last evaluated: 2023-11-14. Review status: criteria provided, single submitter. Criteria: GeneDx Variant Classification Process June 2021. Collection method: clinical testing. Allele origin: germline. Affected: yes.
Comment: Not observed at significant frequency in large population cohorts (gnomAD); In silico analysis supports that this missense variant has a deleterious effect on protein structure/function; Observed in a patient with breast cancer (PMID: 29522266); This variant is associated with the following publications: (PMID: 29522266)

Labcorp Genetics (formerly Invitae), Labcorp
Classification: Uncertain significance for Fanconi anemia complementation group O. Last evaluated: 2023-03-02. Review status: criteria provided, single submitter. Criteria: Invitae Variant Classification Sherloc (09022015). Collection method: clinical testing. Allele origin: germline.
Comment: This sequence change replaces arginine, which is basic and polar, with glycine, which is neutral and non-polar, at codon 65 of the RAD51C protein (p.Arg65Gly). This variant is present in population databases (no rsID available, gnomAD 0.0009%). This variant has not been reported in the literature in individuals affected with RAD51C-related conditions. ClinVar contains an entry for this variant (Variation ID: 480514). Advanced modeling of protein sequence and biophysical properties (such as structural, functional, and spatial information, amino acid conservation, physicochemical variation, residue mobility, and thermodynamic stability) performed at Invitae indicates that this missense variant is not expected to disrupt RAD51C protein function. In summary, the available evidence is currently insufficient to determine the role of this variant in disease. Therefore, it has been classified as a Variant of Uncertain Significance.

Literature cited by the submitters: PubMed 29522266 (cited by Ambry Genetics).